The following is an entry in ClinVar:

NM_000884.3(IMPDH2):c.1094G>A (p.Gly365Glu)

Gene: IMPDH2 (inosine monophosphate dehydrogenase 2; minus strand). Cytogenetic location: 3p21.31.
Variant type: single nucleotide variant.
Coding change: c.1094G>A on transcript NM_000884.3 (MANE Select); coding-DNA position 1094, G replaced by A.
Protein change: p.Gly365Glu; replaces glycine 365 with glutamic acid.
Molecular consequence: missense variant.
Genome position (GRCh38, 1-based): chr3:49,025,182, C>T on the plus strand (G>A on the coding strand, the complement: IMPDH2 is on the minus strand). VCF-style: chr3-49025182-C-T. GRCh37 (hg19) VCF-style: chr3-49062615-C-T.
Other names: c.1166G>A, p.Gly389Glu (NM_001410759.1); c.1091G>A, p.Gly364Glu (NM_001410760.1); c.1019G>A, p.Gly340Glu (NM_001410761.1); short protein forms G340E, G364E, G365E, G389E.
Identifiers: ClinVar variation 2653817 (VCV002653817.24), dbSNP rs2471627895, ClinGen allele CA352736851.

ClinVar aggregate classification (germline): Uncertain significance (1 of 4 stars; one submission).

Allele frequency attached by ClinVar (database versions not stated): gnomAD exomes 0.00001.
gnomAD v4.1: 4 of 1,614,246 alleles (0.00025%); highest among the groups gnomAD compares: Non-Finnish European, 0.00025%; no homozygotes.

Submission:

CeGaT Center for Human Genetics Tuebingen
Classification: Uncertain significance. Last evaluated: 2023-04-01. Review status: criteria provided, single submitter. Criteria: CeGaT Center For Human Genetics Tuebingen Variant Classification Criteria Version 2. Collection method: clinical testing. Allele origin: germline. Affected: yes. Observed: 1 variant allele.
Comment: IMPDH2: PM2, PP3